The following is an entry in ClinVar:

NM_000481.4(AMT):c.1112G>A (p.Arg371His)

Gene: AMT (aminomethyltransferase; minus strand). Cytogenetic location: 3p21.31.
Variant type: single nucleotide variant.
Coding change: c.1112G>A on transcript NM_000481.4 (MANE Select); coding-DNA position 1112, G replaced by A.
Protein change: p.Arg371His; replaces arginine 371 with histidine.
Molecular consequence: missense variant. On other transcripts: non-coding transcript variant (1).
Genome position (GRCh38, 1-based): chr3:49,417,640, C>T on the plus strand (G>A on the coding strand, the complement: AMT is on the minus strand). VCF-style: chr3-49417640-C-T. GRCh37 (hg19) VCF-style: chr3-49455073-C-T.
Other names: c.980G>A, p.Arg327His (NM_001164710.2); c.944G>A, p.Arg315His (NM_001164711.2); c.1112G>A, p.Arg371His (NM_001164712.2); short protein forms R371H, R315H, R327H.
Identifiers: ClinVar variation 531761 (VCV000531761.59), dbSNP rs147006017, ClinGen allele CA2398140.

ClinVar aggregate classification (germline): Conflicting classifications of pathogenicity. Review status: criteria provided, conflicting classifications (1 of 4 stars). 8 submissions from 8 submitters: Uncertain significance (6); Likely benign (1). 1 of the submissions does not count toward it. Last evaluated 2026-01-19.

Conditions:
Glycine encephalopathy. Also called: Non-ketotic hyperglycinemia; Nonketotic hyperglycinemia. Identifiers: Orphanet 407, MedGen C0751748, MONDO:0011612, HP:0008288.

Allele frequency attached by ClinVar (database versions not stated): ESP Exome Variant Server 0.00008; TOPMed 0.00017.

Submissions (8):

Labcorp Genetics (formerly Invitae), Labcorp
Classification: Likely benign for Glycine encephalopathy. Last evaluated: 2026-01-19. Review status: criteria provided, single submitter. Criteria: Invitae Variant Classification Sherloc (09022015). Collection method: clinical testing. Allele origin: germline.

Blueprint Genetics
Classification: Uncertain significance. Last evaluated: 2024-10-17. Review status: criteria provided, single submitter. Criteria: ACMG Guidelines, 2015. Collection method: clinical testing. Allele origin: germline.

Women's Health and Genetics/Laboratory Corporation of America, LabCorp
Classification: Uncertain significance. Last evaluated: 2024-09-09. Review status: criteria provided, single submitter. Criteria: LabCorp Variant Classification Summary - May 2015. Collection method: clinical testing. Allele origin: germline.
Comment: Variant summary: AMT c.1112G>A (p.Arg371His) results in a non-conservative amino acid change located in the Glycine cleavage T-protein, C-terminal barrel domain (IPR013977) of the encoded protein sequence. Three of five in-silico tools predict a benign effect of the variant on protein function. The variant allele was found at a frequency of 0.00038 in 251444 control chromosomes. This frequency is not significantly higher than estimated for a pathogenic variant in AMT causing Glycine Encephalopathy (Non-Ketotic Hyperglycinemia) (0.00038 vs 0.0014), allowing no conclusion about variant significance. To our knowledge, no occurrence of c.1112G>A in individuals affected with Glycine Encephalopathy (Non-Ketotic Hyperglycinemia) and no experimental evidence demonstrating its impact on protein function have been reported. ClinVar contains an entry for this variant (Variation ID: 531761). Based on the evidence outlined above, the variant was classified as uncertain significance.

Department of Pathology and Laboratory Medicine, Sinai Health System
Classification: Uncertain significance for glycine encephalopathy. Last evaluated: 2021-11-02. Review status: criteria provided, single submitter. Criteria: ACMG Guidelines, 2015. Collection method: research. Allele origin: germline.

CeGaT Center for Human Genetics Tuebingen
Classification: Uncertain significance. Last evaluated: 2019-10-01. Review status: criteria provided, single submitter. Criteria: CeGaT Center For Human Genetics Tuebingen Variant Classification Criteria Version 2. Collection method: clinical testing. Allele origin: germline. Affected: yes. Observed: 1 variant allele.

Illumina Laboratory Services, Illumina
Classification: Uncertain significance for Glycine encephalopathy 1. Last evaluated: 2018-01-13. Review status: criteria provided, single submitter. Criteria: ICSL Variant Classification Criteria 13 December 2019. Collection method: clinical testing. Allele origin: germline.

Breakthrough Genomics
Classification: Uncertain significance. Review status: criteria provided, single submitter. Criteria: ACMG Guidelines, 2015. Collection method: not provided. Allele origin: germline. Inheritance: Autosomal recessive inheritance. Affected: yes.

Natera, Inc.
Classification: Uncertain significance for Non-ketotic hyperglycinemia. Last evaluated: 2019-10-28. Review status: no assertion criteria provided. Collection method: clinical testing. Allele origin: germline. Not counted in ClinVar's aggregate classification.